The following is an entry in ClinVar:

ClinVar aggregate classification (germline): Uncertain significance. Review status: criteria provided, single submitter (1 of 4 stars). 2 submissions from 2 submitters: Uncertain significance (1). 1 of the submissions does not count toward it. Last evaluated 2022-11-16.

Conditions:
Glutaric aciduria, type 1. Also called: Glutaric Acidemia Type 1; Glutaric acidemia type I; Glutaricaciduria, type I; GA I; Glutaricacidemia Type 1; Glutaryl-CoA dehydrogenase deficiency. Identifiers: Orphanet 25, MedGen C0268595, MONDO:0009281, OMIM 231670.

Submissions (2):

Labcorp Genetics (formerly Invitae), Labcorp
Classification: Uncertain significance for Glutaric aciduria, type 1. Last evaluated: 2022-11-16. Review status: criteria provided, single submitter. Criteria: Invitae Variant Classification Sherloc (09022015). Collection method: clinical testing. Allele origin: germline.
Comment: Algorithms developed to predict the effect of missense changes on protein structure and function output the following: SIFT: "Tolerated"; PolyPhen-2: "Benign"; Align-GVGD: "Class C0". The valine amino acid residue is found in multiple mammalian species, which suggests that this missense change does not adversely affect protein function. This variant has not been reported in the literature in individuals affected with GCDH-related conditions. This variant is present in population databases (no rsID available, gnomAD 0.006%). This sequence change replaces alanine, which is neutral and non-polar, with valine, which is neutral and non-polar, at codon 362 of the GCDH protein (p.Ala362Val). In summary, the available evidence is currently insufficient to determine the role of this variant in disease. Therefore, it has been classified as a Variant of Uncertain Significance.

Natera, Inc.
Classification: Uncertain significance for Glutaric acidemia type 1. Last evaluated: 2025-04-29. Review status: no assertion criteria provided. Collection method: clinical testing. Allele origin: germline. Not counted in ClinVar's aggregate classification.

NM_000159.4(GCDH):c.1085C>T (p.Ala362Val)

Gene: GCDH (glutaryl-CoA dehydrogenase; plus strand). Cytogenetic location: 19p13.13.
Variant type: single nucleotide variant.
Coding change: c.1085C>T on transcript NM_000159.4 (MANE Select); coding-DNA position 1085, C replaced by T.
Protein change: p.Ala362Val; replaces alanine 362 with valine.
Molecular consequence: missense variant. On other transcripts: non-coding transcript variant (2).
Genome position (GRCh38, 1-based): chr19:12,897,705, C>T. VCF-style: chr19-12897705-C-T. GRCh37 (hg19) VCF-style: chr19-13008519-C-T.
Other names: c.1085C>T (NM_000159.3); c.1085C>T, p.Ala362Val (NM_013976.5); short protein forms A362V.
Identifiers: ClinVar variation 2090159 (VCV002090159.4), dbSNP rs114759170, ClinGen allele CA404321186.